The following is an entry in ClinVar:

NM_174936.4(PCSK9):c.658-11T>A

Gene: PCSK9 (proprotein convertase subtilisin/kexin type 9; plus strand). Cytogenetic location: 1p32.3.
Variant type: single nucleotide variant.
Coding change: c.658-11T>A on transcript NM_174936.4 (MANE Select); 11 bases into the intron before coding-DNA position 658, T replaced by A.
Molecular consequence: intron variant.
Genome position (GRCh38, 1-based): chr1:55,052,639, T>A. VCF-style: chr1-55052639-T-A. GRCh37 (hg19) VCF-style: chr1-55518312-T-A.
Other names: c.283-11T>A (NM_001407246.1); c.781-11T>A (NM_001407240.1); c.658-8T>A (NM_001407242.1); c.658-11T>A (NM_001407241.1, NM_001407244.1, NM_001407247.1); c.601-11T>A (NM_001407243.1); c.466-11T>A (NM_001407245.1).
Identifiers: ClinVar variation 2905955 (VCV002905955.3), dbSNP rs1644683788, ClinGen allele CA1167981668.

ClinVar aggregate classification (germline): Uncertain significance (1 of 4 stars; one submission).

Conditions:
Hypercholesterolemia, autosomal dominant, 3 (FHCL3). Also called: Familial Hypercholesterolemia, Autosomal Dominant, 3; PCSK9-Related Familial Hypercholesterolemia, Autosomal Dominant; Familial hypercholesterolemia 3. Identifiers: MedGen C1863551, MONDO:0011369, OMIM 603776.

Allele frequency attached by ClinVar (database versions not stated): TOPMed below 0.00001.

Submission:

Labcorp Genetics (formerly Invitae), Labcorp
Classification: Uncertain significance for Hypercholesterolemia, autosomal dominant, 3. Last evaluated: 2023-04-22. Review status: criteria provided, single submitter. Criteria: Invitae Variant Classification Sherloc (09022015). Collection method: clinical testing. Allele origin: germline.
Comment: In summary, the available evidence is currently insufficient to determine the role of this variant in disease. Therefore, it has been classified as a Variant of Uncertain Significance. Algorithms developed to predict the effect of sequence changes on RNA splicing suggest that this variant may create or strengthen a splice site. This variant has not been reported in the literature in individuals affected with PCSK9-related conditions. This variant is not present in population databases (gnomAD no frequency). This sequence change falls in intron 4 of the PCSK9 gene. It does not directly change the encoded amino acid sequence of the PCSK9 protein.